The following is an entry in ClinVar:

NM_002880.4(RAF1):c.365T>C (p.Ile122Thr)

Gene: RAF1 (Raf-1 proto-oncogene, serine/threonine kinase; minus strand). Cytogenetic location: 3p25.2.
Variant type: single nucleotide variant.
Coding change: c.365T>C on transcript NM_002880.4 (MANE Select); coding-DNA position 365, T replaced by C.
Protein change: p.Ile122Thr; replaces isoleucine 122 with threonine.
Molecular consequence: missense variant. On other transcripts: non-coding transcript variant (3).
Genome position (GRCh38, 1-based): chr3:12,609,291, A>G on the plus strand (T>C on the coding strand, the complement: RAF1 is on the minus strand). VCF-style: chr3-12609291-A-G. GRCh37 (hg19) VCF-style: chr3-12650790-A-G.
Other names: p.I122T:ATT>ACT; c.365T>C, p.Ile122Thr (NM_001354689.3, NM_001354690.3, NM_001354693.3); c.122T>C, p.Ile41Thr (NM_001354691.3, NM_001354692.3, NM_001354694.3 and 1 more transcripts); short protein forms I122T, I41T.
Identifiers: ClinVar variation 181508 (VCV000181508.11), dbSNP rs730881000, ClinGen allele CA297109.

ClinVar aggregate classification (germline): Conflicting classifications of pathogenicity. Review status: criteria provided, conflicting classifications (1 of 4 stars). 4 submissions from 4 submitters: Uncertain significance (3); Likely benign (1). Last evaluated 2026-04-21.

Conditions:
Cardiovascular phenotype. Identifiers: MedGen CN230736.
RASopathy. Also called: rasopathies; Noonan spectrum disorder. Identifiers: Orphanet 536391, MedGen C5555857, MONDO:0021060.
Noonan syndrome 5 (NS5). Also called: RAF1-Related Noonan Syndrome. Identifiers: Orphanet 648, MedGen C1969057, MONDO:0012690, OMIM 611553. Disease mechanism: gain of function.

Allele frequency attached by ClinVar (database versions not stated): ExAC 0.00001; gnomAD 0.00007; gnomAD exomes 0.00001 and below 0.00001; TOPMed 0.00007.

Submissions (4):

Ambry Genetics
Classification: Uncertain significance for Cardiovascular phenotype. Last evaluated: 2026-04-21. Review status: criteria provided, single submitter. Criteria: Ambry Variant Classification Scheme 2023. Collection method: clinical testing. Allele origin: germline.
Comment: The c.365T>C (p.I122T) alteration is located in exon 4 (coding exon 3) of the RAF1 gene. This alteration results from a T to C substitution at nucleotide position 365, causing the isoleucine (I) at amino acid position 122 to be replaced by a threonine (T). Based on data from gnomAD, the C allele has an overall frequency of 0.001% (3/282852) total alleles studied. The highest observed frequency was 0.012% (3/24970) of African alleles. Based on insufficient or conflicting evidence, the clinical significance of this alteration remains unclear.

St. Jude Molecular Pathology, St. Jude Children's Research Hospital
Classification: Uncertain significance for Noonan syndrome 5. Last evaluated: 2026-02-20. Review status: criteria provided, single submitter. Criteria: St. Jude Assertion Criteria 2020. Collection method: clinical testing. Allele origin: germline.
Comment: The RAF1 c.365T>C p.(Ile122Thr) missense change has a maximum subpopulation frequency of 0.01% in gnomAD v2.1.1. The in silico tool REVEL is inconclusive about a pathogenic or benign effect of this v ariant on protein function, and to our knowledge functional studies have not been performed. To our knowledge, this variant has not been reported in individuals with RASopathy conditions. In summary, the evidence currently available is insufficient to de termine the clinical significance of this variant. It has therefore been classified as of uncertain significance.

Labcorp Genetics (formerly Invitae), Labcorp
Classification: Likely benign for RASopathy. Last evaluated: 2026-01-13. Review status: criteria provided, single submitter. Criteria: Invitae Variant Classification Sherloc (09022015). Collection method: clinical testing. Allele origin: germline.

GeneDx
Classification: Uncertain significance. Last evaluated: 2017-12-12. Review status: criteria provided, single submitter. Criteria: GeneDx Variant Classification (06012015). Collection method: clinical testing. Allele origin: germline. Affected: yes.
Comment: A variant of uncertain significance has been identified in the RAF1 gene. The I122T variant has not been published as a pathogenic variant, nor has it been reported as a benign variant to our knowledge. This variant was not observed in approximately 6,500 individuals of European and African American ancestry in the NHLBI Exome Sequencing Project, indicating it is not a common benign variant in these populations. The I122T variant is a non-conservative amino acid substitution, which is likely to impact secondary protein structure as these residues differ in polarity, charge, size and/or other properties. Additionally, this substitution occurs at a position where amino acids with similar properties to Isoleucine are tolerated across species. Nevertheless, in silico analysis is inconsistent in its predictions as to whether or not the variant is damaging to the protein structure/function.